The following is an entry in ClinVar:

NM_001378687.1(ATP2C1):c.531+10G>A

Gene: ATP2C1 (ATPase secretory pathway Ca2+ transporting 1; plus strand). Cytogenetic location: 3q22.1.
Variant type: single nucleotide variant.
Coding change: c.531+10G>A on transcript NM_001378687.1 (MANE Select); 10 bases into the intron after coding-DNA position 531, G replaced by A.
Molecular consequence: intron variant.
Genome position (GRCh38, 1-based): chr3:130,941,709, G>A. VCF-style: chr3-130941709-G-A. GRCh37 (hg19) VCF-style: chr3-130660553-G-A.
Other names: c.633+10G>A (NM_001378511.1, NM_001199180.2, NM_001199181.3); c.516+10G>A (NM_001199182.2); c.531+10G>A (NM_001001486.2, NM_001001487.2, NM_001001485.3 and 5 more transcripts); c.483+10G>A (NM_001378514.1, NM_001199183.2, NM_001199184.3).
Identifiers: ClinVar variation 343320 (VCV000343320.5), dbSNP rs559826369, ClinGen allele CA2614852.
Genomic context (GRCh38, chr3:130,941,709, plus strand): 5'-GTTTGCCTTTCTGTTGGGGATAGAGTTCCTGCTGACTTACGCTTGTTTGAGGTAAATTTG[G>A]GATCTGATTGTAATAAGTGAAAATACGTGGATGTAGATTAAAGGATAAACATTACTAGTT-3'

ClinVar aggregate classification (germline): Benign (1 of 4 stars; one submission).

Conditions:
Familial benign pemphigus (HHD). Identifiers: Orphanet 2841, MedGen C0085106, MONDO:0008218, OMIM 169600.

Allele frequency attached by ClinVar (database versions not stated): gnomAD below 0.00001 and 0.00007; TOPMed 0.00002; gnomAD exomes 0.00015 and 0.00021; ExAC 0.00024; 1000 Genomes Project 0.00040; 1000 Genomes Project 30x 0.00047.
gnomAD v4.1: 216 of 1,593,948 alleles (0.014%); highest among the groups gnomAD compares: South Asian, 0.23%; no homozygotes.

Submission:

Illumina Laboratory Services, Illumina
Classification: Benign for Familial benign pemphigus. Last evaluated: 2018-01-12. Review status: criteria provided, single submitter. Criteria: ICSL Variant Classification Criteria 13 December 2019. Collection method: clinical testing. Allele origin: germline.
Comment: This variant was observed in the ICSL laboratory as part of a predisposition screen in an ostensibly healthy population. It had not been previously curated by ICSL or reported in the Human Gene Mutation Database (HGMD: prior to June 1st, 2018), and was therefore a candidate for classification through an automated scoring system. Utilizing variant allele frequency, disease prevalence and penetrance estimates, and inheritance mode, an automated score was calculated to assess if this variant is too frequent to cause the disease. Based on the score and internal cut-off values, a variant classified as benign is not then subjected to further curation. The score for this variant resulted in a classification of benign for this disease.